The following is an entry in ClinVar:

ClinVar aggregate classification (germline): Uncertain significance. Review status: criteria provided, multiple submitters, no conflicts (2 of 4 stars). 2 submissions from 2 submitters: Uncertain significance (2). Last evaluated 2025-03-19.

Conditions:
Palmoplantar keratoderma-esophageal carcinoma syndrome (TOC). Also called: KERATOSIS PALMARIS ET PLANTARIS WITH ESOPHAGEAL CANCER; PALMOPLANTAR KERATODERMA WITH ESOPHAGEAL CANCER; Tylosis with Esophageal Cancer. Identifiers: Orphanet 2198, MedGen C1835664, MONDO:0007856, OMIM 148500.

Allele frequency attached by ClinVar (database versions not stated): gnomAD exomes 0.00003.

Submissions (2):

Labcorp Genetics (formerly Invitae), Labcorp
Classification: Uncertain significance. Last evaluated: 2025-03-19. Review status: criteria provided, single submitter. Criteria: Invitae Variant Classification Sherloc (09022015). Collection method: clinical testing. Allele origin: germline.
Comment: This sequence change replaces valine, which is neutral and non-polar, with methionine, which is neutral and non-polar, at codon 373 of the RHBDF2 protein (p.Val373Met). This variant is present in population databases (rs779944124, gnomAD 0.006%). This variant has not been reported in the literature in individuals affected with RHBDF2-related conditions. ClinVar contains an entry for this variant (Variation ID: 2678330). An algorithm developed to predict the effect of missense changes on protein structure and function outputs the following: PolyPhen-2: "Benign". The methionine amino acid residue is found in multiple mammalian species, which suggests that this missense change does not adversely affect protein function. In summary, the available evidence is currently insufficient to determine the role of this variant in disease. Therefore, it has been classified as a Variant of Uncertain Significance.

Baylor Genetics
Classification: Uncertain significance for Palmoplantar keratoderma-esophageal carcinoma syndrome. Last evaluated: 2023-10-20. Review status: criteria provided, single submitter. Criteria: ACMG Guidelines, 2015. Collection method: clinical testing. Allele origin: unknown.

NM_001005498.4(RHBDF2):c.1030G>A (p.Val344Met)

Gene: RHBDF2 (rhomboid 5 homolog 2; minus strand). Cytogenetic location: 17q25.1.
Variant type: single nucleotide variant.
Coding change: c.1030G>A on transcript NM_001005498.4 (MANE Select); coding-DNA position 1030, G replaced by A.
Protein change: p.Val344Met; replaces valine 344 with methionine.
Molecular consequence: missense variant. On other transcripts: non-coding transcript variant (3).
Genome position (GRCh38, 1-based): chr17:76,476,915, C>T on the plus strand (G>A on the coding strand, the complement: RHBDF2 is on the minus strand). VCF-style: chr17-76476915-C-T. GRCh37 (hg19) VCF-style: chr17-74472997-C-T.
Other names: c.1030G>A, p.Val344Met (NM_001376228.1, NM_001376229.1, NM_001376230.1); c.1117G>A, p.Val373Met (NM_024599.5); short protein forms V344M, V373M.
Identifiers: ClinVar variation 2678330 (VCV002678330.4), dbSNP rs779944124, ClinGen allele CA8787140.